The following is an entry in ClinVar:

ClinVar aggregate classification (germline): Uncertain significance (1 of 4 stars; one submission).

Conditions:
Inborn genetic diseases. Identifiers: MedGen C0950123, MeSH D030342.

gnomAD v4.1: 2 of 1,598,754 alleles (0.00013%); highest among the groups gnomAD compares: South Asian, 0.0011%; no homozygotes.

Submission:

Ambry Genetics
Classification: Uncertain significance for Inborn genetic diseases. Last evaluated: 2024-11-30. Review status: criteria provided, single submitter. Criteria: Ambry Variant Classification Scheme 2023. Collection method: clinical testing. Allele origin: germline.
Comment: The p.P93L variant (also known as c.278C>T), located in coding exon 2 of the GATA2 gene, results from a C to T substitution at nucleotide position 278. The proline at codon 93 is replaced by leucine, an amino acid with similar properties. This amino acid position is conserved. In addition, this alteration is predicted to be deleterious by in silico analysis. Based on the available evidence, the clinical significance of this variant remains unclear.

NM_032638.5(GATA2):c.278C>T (p.Pro93Leu)

Gene: GATA2 (GATA binding protein 2; minus strand). Cytogenetic location: 3q21.3.
Variant type: single nucleotide variant.
Coding change: c.278C>T on transcript NM_032638.5 (MANE Select); coding-DNA position 278, C replaced by T.
Protein change: p.Pro93Leu; replaces proline 93 with leucine.
Molecular consequence: missense variant.
Genome position (GRCh38, 1-based): chr3:128,486,320, G>A on the plus strand (C>T on the coding strand, the complement: GATA2 is on the minus strand). VCF-style: chr3-128486320-G-A. GRCh37 (hg19) VCF-style: chr3-128205163-G-A.
Other names: c.278C>T, p.Pro93Leu (NM_001145661.2, NM_001145662.1); short protein forms P93L.
Identifiers: ClinVar variation 3519003 (VCV003519003.1).